The following is an entry in ClinVar:

ClinVar aggregate classification (germline): Uncertain significance. Review status: criteria provided, multiple submitters, no conflicts (2 of 4 stars). 2 submissions from 2 submitters: Uncertain significance (2). Last evaluated 2023-12-30.

Conditions:
Inborn genetic diseases. Identifiers: MedGen C0950123, MeSH D030342.

Allele frequency attached by ClinVar (database versions not stated): ExAC 0.00003; gnomAD 0.00007; ESP Exome Variant Server 0.00008.
gnomAD v4.1: 52 of 1,613,680 alleles (0.0032%); highest among the groups gnomAD compares: Middle Eastern, 0.033%; no homozygotes.

Submissions (2):

Ambry Genetics
Classification: Uncertain significance for Inborn genetic diseases. Last evaluated: 2023-12-30. Review status: criteria provided, single submitter. Criteria: Ambry Variant Classification Scheme 2023. Collection method: clinical testing. Allele origin: germline.

Labcorp Genetics (formerly Invitae), Labcorp
Classification: Uncertain significance. Last evaluated: 2022-09-27. Review status: criteria provided, single submitter. Criteria: Invitae Variant Classification Sherloc (09022015). Collection method: clinical testing. Allele origin: germline.
Comment: This sequence change replaces arginine, which is basic and polar, with tryptophan, which is neutral and slightly polar, at codon 13 of the PLVAP protein (p.Arg13Trp). This variant is present in population databases (rs370989890, gnomAD 0.007%). This variant has not been reported in the literature in individuals affected with PLVAP-related conditions. Advanced modeling of protein sequence and biophysical properties (such as structural, functional, and spatial information, amino acid conservation, physicochemical variation, residue mobility, and thermodynamic stability) performed at Invitae indicates that this missense variant is expected to disrupt PLVAP protein function. In summary, the available evidence is currently insufficient to determine the role of this variant in disease. Therefore, it has been classified as a Variant of Uncertain Significance.

NM_031310.3(PLVAP):c.37C>T (p.Arg13Trp)

Gene: PLVAP (plasmalemma vesicle associated protein; minus strand). Cytogenetic location: 19p13.11.
Variant type: single nucleotide variant.
Coding change: c.37C>T on transcript NM_031310.3 (MANE Select); coding-DNA position 37, C replaced by T.
Protein change: p.Arg13Trp; replaces arginine 13 with tryptophan.
Molecular consequence: missense variant.
Genome position (GRCh38, 1-based): chr19:17,377,252, G>A on the plus strand (C>T on the coding strand, the complement: PLVAP is on the minus strand). VCF-style: chr19-17377252-G-A. GRCh37 (hg19) VCF-style: chr19-17488061-G-A.
Other names: c.37C>T (NM_031310.1); short protein forms R13W.
Identifiers: ClinVar variation 2067633 (VCV002067633.2), dbSNP rs370989890, ClinGen allele CA9294160.
Genomic context (GRCh38, chr19:17,377,252, plus strand): 5'-AGACGAAGAGGAAGAAGTAGCGCAGGTAATACCAGCAGCCCCGAGAGCTGCCCCCCGCCC[G>A]AGCGTAGGACCCTCCGTGCTCCATGGCCAGACCCATTTGCTCGATCCCGCCGTCCGGTGC-3'
Protein context (NP_112600.1, residues 3-23): LAMEHGGSYA[Arg13Trp]AGGSSRGCWY